The following is an entry in ClinVar:

ClinVar aggregate classification (germline): Conflicting classifications of pathogenicity. Review status: criteria provided, conflicting classifications (1 of 4 stars). 4 submissions from 4 submitters: Uncertain significance (1); Benign (1); Likely benign (2). Last evaluated 2025-07-15.

Conditions:
Familial hypercholesterolemia. Also called: Familial hypercholesterolemias; Familial hypercholesterolaemia. Identifiers: MedGen C0020445, MONDO:0005439.
Cardiovascular phenotype. Identifiers: MedGen CN230736.
Familial hypobetalipoproteinemia 1. Also called: Hypobetalipoproteinemia, normotriglyceridemic; Acanthocytosis with hypobetalipoproteinemia; APOB-Related Familial Hypobetalipoproteinemia. Identifiers: MedGen C4551990, MONDO:0014252, OMIM 615558.
Hypercholesterolemia, autosomal dominant, type B (FHCL2). Also called: Familial Hypercholesterolemia Type B; APOB-Related Familial Hypercholesterolemia, Autosomal Dominant; Hyperlipoproteinemia Type IIb; Familial hypercholesterolemia 2; APOLIPOPROTEIN B-100, FAMILIAL DEFECTIVE; APOLIPOPROTEIN B-100, FAMILIAL LIGAND-DEFECTIVE. Identifiers: MedGen C1704417, MONDO:0007751, OMIM 144010.
Hypercholesterolemia, familial, 1. Also called: LDL RECEPTOR DISORDER; Hyperlipoproteinemia Type IIa; HYPER-LOW-DENSITY-LIPOPROTEINEMIA; HYPERCHOLESTEROLEMIC XANTHOMATOSIS, FAMILIAL; Fredrickson type IIa hyperlipoproteinemia; Hyperlipoproteinemia type 2. Identifiers: Orphanet 391665, MedGen C0745103, MONDO:0007750, OMIM 143890.

Allele frequency attached by ClinVar (database versions not stated): gnomAD 0.00001; gnomAD exomes 0.00002 and 0.00004; ExAC 0.00003; TOPMed 0.00003.
gnomAD v4.1: 39 of 1,614,012 alleles (0.0024%); highest among the groups gnomAD compares: South Asian, 0.022%; no homozygotes.

Submissions (4):

Ambry Genetics
Classification: Likely benign for Cardiovascular phenotype. Last evaluated: 2025-07-15. Review status: criteria provided, single submitter. Criteria: Ambry Variant Classification Scheme 2023. Collection method: clinical testing. Allele origin: germline.

Labcorp Genetics (formerly Invitae), Labcorp
Classification: Benign for Familial hypobetalipoproteinemia 1; Hypercholesterolemia, autosomal dominant, type B. Last evaluated: 2025-02-20. Review status: criteria provided, single submitter. Criteria: Invitae Variant Classification Sherloc (09022015). Collection method: clinical testing. Allele origin: germline.

Color Diagnostics, LLC DBA Color Health
Classification: Likely benign for Familial hypercholesterolemias. Last evaluated: 2018-07-06. Review status: criteria provided, single submitter. Criteria: ACMG Guidelines, 2015. Collection method: clinical testing. Allele origin: germline.
Comment: Likely Benign based on current evidence: This missense variant (also known as p.Ile108Val in the mature protein) is located in the beta alpha 1 domain of the APOB protein. Computational prediction tools suggest that this variant may not impact the protein function. This variant occurs in more than 15 mammalian species, suggesting that this variant is functionally tolerated. Computational splicing tools suggest that this variant may not impact the RNA splicing. To our knowledge, functional assays have not been performed for this variant nor has the variant been reported in individuals affected with familial hypercholesterolemia in the literature. This variant has been identified in 11/277218 chromosomes in the general population by the Genome Aggregation Database (gnomAD). Based on available evidence, this variant is classified as Likely Benign.

Cardiovascular Research Group, Instituto Nacional de Saude Doutor Ricardo Jorge
Classification: Uncertain significance for Familial hypercholesterolemia. Last evaluated: 2016-03-01. Review status: criteria provided, single submitter. Criteria: ACMG Guidelines, 2015. Collection method: research. Allele origin: germline. Affected: yes.

NM_000384.3(APOB):c.403A>G (p.Ile135Val)

Gene: APOB (apolipoprotein B; minus strand). Cytogenetic location: 2p24.1.
Variant type: single nucleotide variant.
Coding change: c.403A>G on transcript NM_000384.3 (MANE Select); coding-DNA position 403, A replaced by G.
Protein change: p.Ile135Val; replaces isoleucine 135 with valine.
Molecular consequence: missense variant.
Genome position (GRCh38, 1-based): chr2:21,038,092, T>C on the plus strand (A>G on the coding strand, the complement: APOB is on the minus strand). VCF-style: chr2-21038092-T-C. GRCh37 (hg19) VCF-style: chr2-21260964-T-C.
Other names: short protein forms I135V.
Identifiers: ClinVar variation 265874 (VCV000265874.16), dbSNP rs769296548, ClinGen allele CA060400.